The following is an entry in ClinVar:

ClinVar aggregate classification (germline): Uncertain significance (1 of 4 stars; one submission).

Allele frequency attached by ClinVar (database versions not stated): gnomAD exomes below 0.00001; TOPMed below 0.00001; ExAC 0.00001.
gnomAD v4.1: 2 of 1,613,904 alleles (0.00012%); highest among the groups gnomAD compares: Non-Finnish European, 0.00017%; no homozygotes.

Submission:

Ambry Genetics
Classification: Uncertain significance. Last evaluated: 2023-12-11. Review status: criteria provided, single submitter. Criteria: Ambry Variant Classification Scheme 2023. Collection method: clinical testing. Allele origin: germline.
Comment: The p.T642I variant (also known as c.1925C>T), located in coding exon 4 of the TMPO gene, results from a C to T substitution at nucleotide position 1925. The threonine at codon 642 is replaced by isoleucine, an amino acid with similar properties. This amino acid position is conserved. In addition, this alteration is predicted to be tolerated by in silico analysis. Since supporting evidence is limited at this time, the clinical significance of this alteration remains unclear.

NM_001032283.3(TMPO):c.565+2344C>T

Gene: TMPO (thymopoietin; plus strand). Cytogenetic location: 12q23.1.
Variant type: single nucleotide variant.
Coding change: c.565+2344C>T on transcript NM_001032283.3 (MANE Select); 2344 bases into the intron after coding-DNA position 565, C replaced by T.
Molecular consequence: intron variant. On other transcripts: missense variant (1).
Genome position (GRCh38, 1-based): chr12:98,534,182, C>T. VCF-style: chr12-98534182-C-T. GRCh37 (hg19) VCF-style: chr12-98927960-C-T.
Other names: c.1925C>T, p.Thr642Ile (NM_003276.2); c.565+2344C>T (NM_001307975.2, NM_001032284.3); short protein forms T642I.
Identifiers: ClinVar variation 3223172 (VCV003223172.1), dbSNP rs771302317, ClinGen allele CA6732515.
Genomic context (GRCh38, chr12:98,534,182, plus strand): 5'-ATGATGCAGCCTCATATATTTGTGAAGCTGCATTTGATGAAGTGAAGATGGCTGCCCATA[C>T]CATGGGAAATGCCACTGTAGGTCGTCGATACCTCTGGCTGAAGGATTGCAAAATTAATTT-3'